The following is an entry in ClinVar:

NM_001089.3(ABCA3):c.2012G>A (p.Arg671His)

Gene: ABCA3 (ATP binding cassette subfamily A member 3; minus strand). Cytogenetic location: 16p13.3.
Variant type: single nucleotide variant.
Coding change: c.2012G>A on transcript NM_001089.3 (MANE Select); coding-DNA position 2012, G replaced by A.
Protein change: p.Arg671His; replaces arginine 671 with histidine.
Molecular consequence: missense variant.
Genome position (GRCh38, 1-based): chr16:2,297,806, C>T on the plus strand (G>A on the coding strand, the complement: ABCA3 is on the minus strand). VCF-style: chr16-2297806-C-T. GRCh37 (hg19) VCF-style: chr16-2347807-C-T.
Other names: c.2012G>A (NM_001089.2); short protein forms R671H.
Identifiers: ClinVar variation 988017 (VCV000988017.5), dbSNP rs759555069, ClinGen allele CA7841000.

ClinVar aggregate classification (germline): Uncertain significance. Review status: criteria provided, multiple submitters, no conflicts (2 of 4 stars). 4 submissions from 4 submitters: Uncertain significance (4). Last evaluated 2025-09-05.

Conditions:
Hereditary pulmonary alveolar proteinosis. Also called: Pulmonary surfactant metabolism dysfunction. Identifiers: Orphanet 264675, MedGen C3711368, MONDO:0012580.
Interstitial lung disease due to ABCA3 deficiency. Also called: PULMONARY ALVEOLAR PROTEINOSIS, CONGENITAL, 3. Identifiers: Orphanet 440402, MedGen C1970456, MONDO:0012582, OMIM 610921.

gnomAD v4.1: 31 of 1,613,298 alleles (0.0019%); highest among the groups gnomAD compares: Admixed American, 0.005%; no homozygotes.

Submissions (4):

Women's Health and Genetics/Laboratory Corporation of America, LabCorp
Classification: Uncertain significance. Last evaluated: 2025-09-05. Review status: criteria provided, single submitter. Criteria: LabCorp Variant Classification Summary - May 2015. Collection method: clinical testing. Allele origin: germline.
Comment: Variant summary: ABCA3 c.2012G>A (p.Arg671His) results in a non-conservative amino acid change located in the ABC transporter-like, ATP-binding domain IIPR003439) of the encoded protein sequence. Algorithms developed to predict the effect of missense changes on protein structure and function all suggest that this variant is likely to be disruptive. The variant allele was found at a frequency of 2.4e-05 in 251200 control chromosomes. The available data on variant occurrences in the general population are insufficient to allow any conclusion about variant significance. To our knowledge, no occurrence of c.2012G>A in individuals affected with ABCA3-related conditions and no experimental evidence demonstrating its impact on protein function have been reported. ClinVar contains an entry for this variant (Variation ID: 988017). Based on the evidence outlined above, the variant was classified as uncertain significance.

Ambry Genetics
Classification: Uncertain significance for Hereditary pulmonary alveolar proteinosis. Last evaluated: 2025-08-27. Review status: criteria provided, single submitter. Criteria: Ambry Variant Classification Scheme 2023. Collection method: clinical testing. Allele origin: germline.
Comment: The p.R671H variant (also known as c.2012G>A), located in coding exon 13 of the ABCA3 gene, results from a G to A substitution at nucleotide position 2012. The arginine at codon 671 is replaced by histidine, an amino acid with highly similar properties. This amino acid position is conserved. In addition, this alteration is predicted to be deleterious by in silico analysis. Based on the available evidence, the clinical significance of this variant remains unclear.

GeneDx
Classification: Uncertain significance. Last evaluated: 2023-08-10. Review status: criteria provided, single submitter. Criteria: GeneDx Variant Classification Process June 2021. Collection method: clinical testing. Allele origin: germline. Affected: yes.
Comment: In silico analysis supports that this missense variant has a deleterious effect on protein structure/function; Has not been previously published as pathogenic or benign to our knowledge

Johns Hopkins Genomics, Johns Hopkins University
Classification: Uncertain significance for Interstitial lung disease due to ABCA3 deficiency. Last evaluated: 2020-11-13. Review status: criteria provided, single submitter. Criteria: ACMG Guidelines, 2015. Collection method: clinical testing. Allele origin: germline.